The following is an entry in ClinVar:

NM_001160372.4(TRAPPC9):c.3047T>C (p.Leu1016Pro)

Gene: TRAPPC9 (trafficking protein particle complex subunit 9; minus strand). Cytogenetic location: 8q24.3.
Variant type: single nucleotide variant.
Coding change: c.3047T>C on transcript NM_001160372.4 (MANE Select); coding-DNA position 3047, T replaced by C.
Protein change: p.Leu1016Pro; replaces leucine 1016 with proline.
Molecular consequence: missense variant. On other transcripts: non-coding transcript variant (1).
Genome position (GRCh38, 1-based): chr8:139,885,887, A>G on the plus strand (T>C on the coding strand, the complement: TRAPPC9 is on the minus strand). VCF-style: chr8-139885887-A-G. GRCh37 (hg19) VCF-style: chr8-140898131-A-G.
Other names: c.3020T>C, p.Leu1007Pro (NM_001321646.2); c.3068T>C, p.Leu1023Pro (NM_001374682.1); c.2936T>C, p.Leu979Pro (NM_001374683.1); c.2903T>C, p.Leu968Pro (NM_001374684.1); c.3047T>C, p.Leu1016Pro (NM_031466.8); short protein forms L1023P, L1007P, L1016P, L979P, L968P.
Identifiers: ClinVar variation 1034114 (VCV001034114.1), dbSNP rs1829977055, ClinGen allele CA372735009.
Genomic context (GRCh38, chr8:139,885,887, plus strand): 5'-GAGAAAAGGAGCACATCCACCCAGAATCGATGGGTGGCTGGCGGGTACTCACCCCACTGC[A>G]GAGGCGCCAGCTGCAGGTGCTCCAGGACGAGCTGGTTCAGGAGTCCTTCCACACTCGCCT-3'
Protein context (NP_001153844.1, residues 1006-1026): LVLEHLQLAP[Leu1016Pro]QWDVLVDGQP

ClinVar aggregate classification (germline): Uncertain significance (1 of 4 stars; one submission).

Conditions:
Intellectual developmental disorder, autosomal recessive 13. Also called: Intellectual disability, autosomal recessive 13. Identifiers: Orphanet 88616, MedGen C2750791, MONDO:0013173, OMIM 613192.

Submission:

Baylor Genetics
Classification: Uncertain significance for Intellectual developmental disorder, autosomal recessive 13. Last evaluated: 2018-07-19. Review status: criteria provided, single submitter. Criteria: ACMG Guidelines, 2015. Collection method: clinical testing. Allele origin: unknown. Affected: yes.
Comment: This variant was determined to be of uncertain significance according to ACMG Guidelines, 2015 [PMID:25741868].